The following is an entry in ClinVar:

ClinVar aggregate classification (germline): Likely benign (1 of 4 stars; one submission).

Conditions:
Ornithine carbamoyltransferase deficiency (OTCD). Also called: ORNITHINE TRANSCARBAMYLASE DEFICIENCY; ORNITHINE TRANSCARBAMYLASE DEFICIENCY, HYPERAMMONEMIA DUE TO; OTC DEFICIENCY; Ornithine Carbamoyltransferase Deficiency Disease. Identifiers: Orphanet 664, MedGen C0268542, MONDO:0010703, OMIM 311250.

Submission:

All of Us Research Program, National Institutes of Health
Classification: Likely benign for Ornithine carbamoyltransferase deficiency. Last evaluated: 2023-12-13. Review status: criteria provided, single submitter. Criteria: ACMG Guidelines, 2015. Collection method: clinical testing. Allele origin: germline. Inheritance: X-linked inheritance. Observed: 1 variant allele, 1 heterozygote.
Comment: This study involves interpretation of variants in research participants for the purpose of population health screening. Participant phenotype was not available at the time of variant classification. Additional details can be found in publication PMID: 35346344, PMCID: PMC8962531

NM_000531.6(OTC):c.1002C>T (p.Ile334=)

Gene: OTC (ornithine transcarbamylase; plus strand). Cytogenetic location: Xp11.4.
Variant type: single nucleotide variant.
Coding change: c.1002C>T on transcript NM_000531.6 (MANE Select); coding-DNA position 1002, C replaced by T.
Protein change: p.Ile334=; no amino-acid change (isoleucine 334 retained).
Molecular consequence: synonymous variant.
Genome position (GRCh38, 1-based): chrX:38,411,996, C>T. VCF-style: chrX-38411996-C-T. GRCh37 (hg19) VCF-style: chrX-38271249-C-T.
Other names: c.1002C>T, p.Ile334= (NM_001407092.1).
Identifiers: ClinVar variation 3074940 (VCV003074940.1), dbSNP rs1569281367, ClinGen allele CA515642799.